The following is an entry in ClinVar:

NM_201525.4(ADGRG1):c.1933+1G>A

Gene: ADGRG1 (adhesion G protein-coupled receptor G1; plus strand). Cytogenetic location: 16q21.
Variant type: single nucleotide variant.
Coding change: c.1933+1G>A on transcript NM_201525.4 (MANE Select); the canonical splice donor site of the intron after coding-DNA position 1933, G replaced by A.
Molecular consequence: splice donor variant.
Genome position (GRCh38, 1-based): chr16:57,661,966, G>A. VCF-style: chr16-57661966-G-A. GRCh37 (hg19) VCF-style: chr16-57695878-G-A.
Other names: c.1933+1G>A (NM_001370440.1, NM_001370436.1, NM_001370438.1 and 7 more transcripts); c.1951+1G>A (NM_001370428.1, NM_001370430.1, NM_001370431.1 and 4 more transcripts); c.1441+1G>A (NM_001290142.2); c.1408+1G>A (NM_001370451.1, NM_001370453.1, NM_001370454.1 and 1 more transcripts); c.1426+1G>A (NM_001290143.2); c.1948+1G>A (NM_001370434.1, NM_001370433.1, NM_001145773.3); c.1777+1G>A (NM_001370442.1); c.1930+1G>A (NM_001370441.1).
Identifiers: ClinVar variation 4815449 (VCV004815449.1).

ClinVar aggregate classification (germline): Likely pathogenic (1 of 4 stars; one submission).

Conditions:
Bilateral frontoparietal polymicrogyria. Also called: CEREBELLAR ATAXIA WITH NEURONAL MIGRATION DEFECT; CORTICAL DYSPLASIA, COMPLEX, WITH OTHER BRAIN MALFORMATIONS 14A (BILATERAL FRONTOPARIETAL). Identifiers: Orphanet 101070, MedGen C1847352, MONDO:0011738, OMIM 606854.

Submission:

Natera, Inc.
Classification: Likely pathogenic for Bilateral frontoparietal polymicrogyria. Last evaluated: 2025-02-17. Review status: criteria provided, single submitter. Criteria: Natera Variant Classification Schema (03/2026). Collection method: clinical testing. Allele origin: germline.
Comment: The c.1951+1G>A variant in ADGRG1 is a canonical splice donor site variant predicted to affect pre-mRNA splicing, which may result in an abnormal transcript and altered protein product. This variant is expected to result in nonsense mediated decay, truncation, or a dysfunctional protein product. This variant is rare in the general population with a frequency below the threshold expected for the associated phenotype(s). Given the available evidence, this variant is classified as Likely Pathogenic.